The following is an entry in ClinVar:

NM_005245.4(FAT1):c.10879A>T (p.Ile3627Phe)

Genes: FAT1 (FAT atypical cadherin 1; minus strand), LOC126807254 (BRD4-independent group 4 enhancer GRCh37_chr4:187524269-187525468; plus strand). Cytogenetic location: 4q35.2.
Variant type: single nucleotide variant.
Coding change: c.10879A>T on transcript NM_005245.4 (MANE Select); coding-DNA position 10879, A replaced by T.
Protein change: p.Ile3627Phe; replaces isoleucine 3627 with phenylalanine.
Molecular consequence: missense variant.
Genome position (GRCh38, 1-based): chr4:186,603,647, T>A on the plus strand (A>T on the coding strand, the complement: FAT1 is on the minus strand). VCF-style: chr4-186603647-T-A. GRCh37 (hg19) VCF-style: chr4-187524801-T-A.
Other names: short protein forms I3627F.
Identifiers: ClinVar variation 3061371 (VCV003061371.2), dbSNP rs1738934039, ClinGen allele CA358975748.

ClinVar aggregate classification (germline): Uncertain significance (0 of 4 stars; one submission).

Conditions:
FAT1-related disorder. Also called: FAT1-related condition.

Allele frequency attached by ClinVar (database versions not stated): gnomAD 0.00001.
gnomAD v4.1: 3 of 1,613,946 alleles (0.00019%); highest among the groups gnomAD compares: South Asian, 0.0033%; no homozygotes.

Submission:

PreventionGenetics, part of Exact Sciences
Classification: Uncertain significance for FAT1-related condition. Last evaluated: 2024-02-29. Review status: no assertion criteria provided. Collection method: clinical testing. Allele origin: germline.
Comment: The FAT1 c.10879A>T variant is predicted to result in the amino acid substitution p.Ile3627Phe. To our knowledge, this variant has not been reported in the literature or in a large population database, indicating this variant is rare. At this time, the clinical significance of this variant is uncertain due to the absence of conclusive functional and genetic evidence.